The following is an entry in ClinVar:

ClinVar aggregate classification (germline): Pathogenic. Review status: reviewed by expert panel (3 of 4 stars). 9 submissions from 9 submitters: Pathogenic (1). 8 of the submissions do not count toward it. Last evaluated 2020-03-09.

Conditions:
Noonan syndrome (NS). Also called: Noonan's syndrome. Identifiers: Orphanet 648, MedGen C0028326, MeSH D009634, MONDO:0018997. Disease mechanism: gain of function.
Cardio-facio-cutaneous syndrome. Also called: Cardiofaciocutaneous syndrome; CFC syndrome. Identifiers: Orphanet 1340, MedGen C1275081, MONDO:0015280. Disease mechanism: gain of function.
RASopathy. Also called: Noonan spectrum disorder; rasopathies. Identifiers: Orphanet 536391, MedGen C5555857, MONDO:0021060.
Cardiofaciocutaneous syndrome 1 (CFC1). Also called: BRAF-Related Cardiofaciocutaneous Syndrome. Identifiers: Orphanet 1340, MedGen CN029449, MONDO:0007265, OMIM 115150. Disease mechanism: gain of function.
Carcinoma of colon (CRC). Also called: Colon carcinoma; Colonic carcinoma. Identifiers: MedGen C0699790, MONDO:0002032.

Submissions (9):

ClinGen RASopathy Variant Curation Expert Panel
Classification: Pathogenic for RASopathy. Last evaluated: 2020-03-09. Review status: reviewed by expert panel. Criteria: ClinGen RASopathy ACMG Specifications v1. Collection method: curation. Allele origin: germline. Inheritance: Autosomal dominant inheritance.
Comment: The c.1391G>A (p.Gly464Glu) variant in BRAF has been observed in 2 probands with phenotypes consistent with cardiofaciocutaneous syndrome (PS4_Supporting; LMM internal data, SCV000197160.4; GeneDx internal data, SCV000057209.13). One of these cases was de novo with maternity and paternity confirmed, while the other was de novo without confirmation of maternity or paternity (PS2, PM6). The p.Gly464Glu variant was absent from large population studies (PM2). In vitro functional assays indicate that this variant may impact protein function (PS3; PMID: 25155755). It occurs in the P-loop domain of the protein, which has been identified as an important region for protein function (PM1; 29493581). Computational prediction tools and conservation analyses also suggest that this variant may impact the protein (PP3). The variant is located in the BRAF gene, which has been defined by the ClinGen RASopathy Expert Panel as a gene with a low rate of benign missense variants and pathogenic variants are common (PP2; PMID: 29493581). Of note, this variant has also been observed in association with somatic malignancies; however, analysis and classification of somatic variation is currently not used to inform germline classifications for the RASopathies. In summary, this variant meets criteria to be classified as pathogenic for autosomal dominant RASopathy. RASopathy-specific ACMG/AMP criteria applied: PS2, PS3, PS4_Supporting, PM1, PM2, PM6, PP2, PP3.

Victorian Clinical Genetics Services, Murdoch Childrens Research Institute
Classification: Pathogenic for Cardiofaciocutaneous syndrome 1. Last evaluated: 2025-12-16. Review status: criteria provided, single submitter. Criteria: ACMG Guidelines, 2015. Collection method: clinical testing. Allele origin: germline. Affected: yes. Not counted in ClinVar's aggregate classification.
Comment: This variant is classified as Pathogenic. Evidence in support of pathogenic classification: Variant is absent from gnomAD (v2, v3 and v4); This variant has strong previous evidence of pathogenicity in unrelated individuals. This variant has been classified as pathogenic by the ClinGen RASopathy Variant Curation Expert Panel (ClinVar); Variant is located in a hotspot region or cluster of PATHOGENIC variants within the protein tyrosine and serine/threonine kinase domain (DECIPHER); Missense variant predicted to be damaging by in silico tool(s) or highly conserved with a major amino acid change; Additional information: Variant is predicted to result in a missense amino acid change from Gly to Glu; This variant is heterozygous; This gene is associated with autosomal dominant disease; Gain of function is a known mechanism of disease in this gene and is associated with LEOPARD syndrome 3 (MIM#613707), cardiofaciocutaneous syndrome (MIM#115150), and Noonan syndrome 7 (MIM#613706) (PMIDs: 28783719, 29540830).

Labcorp Genetics (formerly Invitae), Labcorp
Classification: Pathogenic for RASopathy. Last evaluated: 2021-04-09. Review status: criteria provided, single submitter. Criteria: Invitae Variant Classification Sherloc (09022015). Collection method: clinical testing. Allele origin: germline. Not counted in ClinVar's aggregate classification.
Comment: For these reasons, this variant has been classified as Pathogenic. This variant disrupts the p.Gly464 amino acid residue in BRAF. Other variant(s) that disrupt this residue have been determined to be pathogenic (PMID: 18413255, 18039235, 21062266, 19376813, 23680146). This suggests that this residue is clinically significant, and that variants that disrupt this residue are likely to be disease-causing. Advanced modeling of protein sequence and biophysical properties (such as structural, functional, and spatial information, amino acid conservation, physicochemical variation, residue mobility, and thermodynamic stability) performed at Invitae indicates that this missense variant is expected to disrupt BRAF protein function. This variant has been observed in individual(s) with clinical features of Noonan syndrome (Invitae). ClinVar contains an entry for this variant (Variation ID: 13964). This variant is not present in population databases (ExAC no frequency). This sequence change replaces glycine with glutamic acid at codon 464 of the BRAF protein (p.Gly464Glu). The glycine residue is highly conserved and there is a moderate physicochemical difference between glycine and glutamic acid.

Laboratory for Molecular Medicine, Mass General Brigham Personalized Medicine
Classification: Likely pathogenic for Noonan syndrome; Cardio-facio-cutaneous syndrome. Last evaluated: 2018-02-15. Review status: criteria provided, single submitter. Criteria: LMM Criteria. Collection method: clinical testing. Allele origin: germline. Observed: 1 variant allele. Not counted in ClinVar's aggregate classification.
Comment: proposed classification - variant undergoing re-assessment, contact laboratory

GeneDx
Classification: Pathogenic. Last evaluated: 2015-10-30. Review status: criteria provided, single submitter. Criteria: GeneDx Variant Classification (06012015). Collection method: clinical testing. Allele origin: germline. Affected: yes. Not counted in ClinVar's aggregate classification.
Comment: The G464E missense mutation has not been reported as a mutation, but neither has it been published as a benign polymorphism. The position at which this mutation occurs is highly conserved across species and other missense mutations at this position (G464V, G464R) have been previously reported in the literature (Rodriguez-Viciana et al., 2008, Cave et al., 2008).

Molecular Diagnostics Lab, Nemours Children's Health, Delaware
Classification: Likely pathogenic. Last evaluated: 2015-07-23. Review status: criteria provided, single submitter. Criteria: ACMG Guidelines, 2015. Collection method: clinical testing. Allele origin: unknown. Affected: yes. Observed: 1 variant allele. Not counted in ClinVar's aggregate classification.

Clinical Genetics Service, Universitary Hospital 12 de Octubre
Classification: Pathogenic for Cardiofaciocutaneous syndrome 1. Review status: criteria provided, single submitter. Criteria: ACMG Guidelines, 2015. Collection method: clinical testing. Allele origin: de novo. Affected: yes. Not counted in ClinVar's aggregate classification.

OMIM
Classification: Pathogenic for COLORECTAL CANCER, SOMATIC. Last evaluated: 2003-08-15. Review status: no assertion criteria provided. Collection method: literature only. Allele origin: somatic. Not counted in ClinVar's aggregate classification.

Service de Génétique Moléculaire, Hôpital Robert Debré
Classification: Uncertain significance for Cardio-facio-cutaneous syndrome. Review status: no assertion criteria provided. Collection method: clinical testing. Allele origin: unknown. Affected: yes. Not counted in ClinVar's aggregate classification.

Literature cited by the submitters: PubMed 29540830 (cited by Victorian Clinical Genetics Services, Murdoch Childrens Research Institute); PubMed 28783719 (cited by Victorian Clinical Genetics Services, Murdoch Childrens Research Institute); PubMed 18413255 (cited by 3 submitters); PubMed 18039235 (cited by Labcorp Genetics (formerly Invitae), Labcorp); PubMed 21062266 (cited by Labcorp Genetics (formerly Invitae), Labcorp); PubMed 19376813 (cited by Labcorp Genetics (formerly Invitae), Labcorp); PubMed 23680146 (cited by Labcorp Genetics (formerly Invitae), Labcorp); PubMed 18060073 (cited by Laboratory for Molecular Medicine, Mass General Brigham Personalized Medicine); PubMed 12692057 (cited by Laboratory for Molecular Medicine, Mass General Brigham Personalized Medicine); PubMed 17704260 (cited by Laboratory for Molecular Medicine, Mass General Brigham Personalized Medicine); PubMed 12198537 (cited by OMIM); PubMed 12960123 (cited by OMIM).

NM_004333.6(BRAF):c.1391G>A (p.Gly464Glu)

Gene: BRAF (B-Raf proto-oncogene, serine/threonine kinase; minus strand). Cytogenetic location: 7q34.
Variant type: single nucleotide variant.
Coding change: c.1391G>A on transcript NM_004333.6 (MANE Select); coding-DNA position 1391, G replaced by A.
Protein change: p.Gly464Glu; replaces glycine 464 with glutamic acid.
Molecular consequence: missense variant.
Genome position (GRCh38, 1-based): chr7:140,781,617, C>T on the plus strand (G>A on the coding strand, the complement: BRAF is on the minus strand). VCF-style: chr7-140781617-C-T. GRCh37 (hg19) VCF-style: chr7-140481417-C-T.
Other names: c.1391G>A, p.Gly464Glu (NM_001354609.2, NM_001378468.1, NM_001378474.1); c.1511G>A, p.Gly504Glu (NM_001374244.1, NM_001374258.1); c.1400G>A, p.Gly467Glu (NM_001378467.1); c.1325G>A, p.Gly442Glu (NM_001378469.1); c.1289G>A, p.Gly430Glu (NM_001378470.1); c.1280G>A, p.Gly427Glu (NM_001378471.1); c.1235G>A, p.Gly412Glu (NM_001378472.1, NM_001378473.1); c.1127G>A, p.Gly376Glu (NM_001378475.1); short protein forms G464E, G427E, G442E, G504E, G412E, G467E, G376E, G430E.
Identifiers: ClinVar variation 13964 (VCV000013964.21), dbSNP rs121913348, ClinGen allele CA250636.
Genomic context (GRCh38, chr7:140,781,617, plus strand): 5'-CACCACATTACATACTTACCATGCCACTTTCCCTTGTAGACTGTTCCAAATGATCCAGAT[C>T]CAATTCTTTGTCCCACTGTAATCTGCCCATCAGGAATCTCCCAATCATCACTCGAGTCCC-3'
Protein context (NP_004324.2, residues 454-474): DGQITVGQRI[Gly464Glu]SGSFGTVYKG